The following is an entry in ClinVar:

ClinVar aggregate classification (germline): Benign. Review status: criteria provided, multiple submitters, no conflicts (2 of 4 stars). 3 submissions from 3 submitters: Benign (2). 1 of the submissions does not count toward it. Last evaluated 2021-06-10.

Conditions:
NECTIN3-related disorder. Also called: NECTIN3-related condition.

Allele frequency attached by ClinVar (database versions not stated): ESP Exome Variant Server 0.00550; gnomAD exomes 0.02439 and 0.07644; gnomAD 0.03293 and 0.03817; TOPMed 0.03633; ExAC 0.04022; 1000 Genomes Project 30x 0.09494; 1000 Genomes Project 0.10443.
gnomAD v4.1: 40,166 of 1,533,654 alleles (2.6%); highest among the groups gnomAD compares: East Asian, 38%; 3,962 homozygotes.

Submissions (3):

GeneDx
Classification: Benign. Last evaluated: 2021-06-10. Review status: criteria provided, single submitter. Criteria: GeneDx Variant Classification Process June 2021. Collection method: clinical testing. Allele origin: germline. Affected: yes.

Breakthrough Genomics
Classification: Benign. Review status: criteria provided, single submitter. Criteria: ACMG Guidelines, 2015. Collection method: not provided. Allele origin: germline. Inheritance: Unknown mechanism. Affected: yes.

PreventionGenetics, part of Exact Sciences
Classification: Benign for NECTIN3-related condition. Last evaluated: 2019-09-23. Review status: no assertion criteria provided. Collection method: clinical testing. Allele origin: germline. Not counted in ClinVar's aggregate classification.
Comment: This variant is classified as benign based on ACMG/AMP sequence variant interpretation guidelines (Richards et al. 2015 PMID: 25741868, with internal and published modifications).

NM_015480.3(NECTIN3):c.15G>A (p.Leu5=)

Gene: NECTIN3 (nectin cell adhesion molecule 3; plus strand). Cytogenetic location: 3q13.13.
Variant type: single nucleotide variant.
Coding change: c.15G>A on transcript NM_015480.3 (MANE Select); coding-DNA position 15, G replaced by A.
Protein change: p.Leu5=; no amino-acid change (leucine 5 retained).
Molecular consequence: synonymous variant. On other transcripts: 5 prime UTR variant (1).
Genome position (GRCh38, 1-based): chr3:111,072,032, G>A. VCF-style: chr3-111072032-G-A. GRCh37 (hg19) VCF-style: chr3-110790879-G-A.
Other names: c.15G>A, p.Leu5= (NM_001243286.2); c.-388G>A (NM_001243288.2).
Identifiers: ClinVar variation 1282802 (VCV001282802.4), dbSNP rs139530035, ClinGen allele CA2533629.